The following is an entry in ClinVar:

NM_000218.3(KCNQ1):c.1794G>A (p.Lys598=)

Gene: KCNQ1 (potassium voltage-gated channel subfamily Q member 1; plus strand). Cytogenetic location: 11p15.5.
Variant type: single nucleotide variant.
Coding change: c.1794G>A on transcript NM_000218.3 (MANE Select); coding-DNA position 1794, G replaced by A.
Protein change: p.Lys598=; no amino-acid change (lysine 598 retained).
Molecular consequence: synonymous variant.
Genome position (GRCh38, 1-based): chr11:2,778,037, G>A. VCF-style: chr11-2778037-G-A. GRCh37 (hg19) VCF-style: chr11-2799267-G-A.
Other names: c.1698G>A, p.Lys566= (NM_001406836.1); c.1524G>A, p.Lys508= (NM_001406837.1); c.1254G>A, p.Lys418= (NM_001406838.1); c.306G>A, p.Lys102= (NM_001406839.1); c.1413G>A, p.Lys471= (NM_181798.2).
Identifiers: ClinVar variation 200860 (VCV000200860.12), dbSNP rs794728539, ClinGen allele CA006431.

ClinVar aggregate classification (germline): Uncertain significance. Review status: criteria provided, multiple submitters, no conflicts (2 of 4 stars). 3 submissions from 3 submitters: Uncertain significance (3). Last evaluated 2026-08-27.

Conditions:
Cardiovascular phenotype. Identifiers: MedGen CN230736.
Long QT syndrome (LQTS). Identifiers: MedGen C0023976, MeSH D008133, MONDO:0002442. Disease mechanism: loss of function. Inheritance: Various modes of inheritance.

Allele frequency attached by ClinVar (database versions not stated): gnomAD exomes below 0.00001.
gnomAD v4.1: 3 of 1,613,596 alleles (0.00019%); highest among the groups gnomAD compares: Non-Finnish European, 0.00025%; no homozygotes.

Submissions (3):

Ambry Genetics
Classification: Uncertain significance for Cardiovascular phenotype. Last evaluated: 2026-08-27. Review status: criteria provided, single submitter. Criteria: Ambry Variant Classification Scheme 2023. Collection method: clinical testing. Allele origin: germline.
Comment: The c.1794G>A variant (also known as p.K598K), located in coding exon 15 of the KCNQ1 gene, results from a G to A substitution at nucleotide position 1794. This nucleotide substitution does not change the lysine at codon 598. However, this change occurs in the last base pair of coding exon 15, which makes it likely to have some effect on normal mRNA splicing. This variant was reported in individual(s) with features consistent with long QT syndrome (Kapplinger JD et al. Heart Rhythm, 2009 Sep;6:1297-303; Barsheshet A et al. Circulation, 2012 Apr;125:1988-96). This nucleotide position is highly conserved in available vertebrate species. In silico splice site analysis predicts that this alteration will weaken the native splice donor site. Based on the available evidence, the clinical significance of this variant remains unclear.

Labcorp Genetics (formerly Invitae), Labcorp
Classification: Uncertain significance for Long QT syndrome. Last evaluated: 2025-10-28. Review status: criteria provided, single submitter. Criteria: Invitae Variant Classification Sherloc (09022015). Collection method: clinical testing. Allele origin: germline.
Comment: This sequence change affects codon 598 of the KCNQ1 mRNA. It is a 'silent' change, meaning that it does not change the encoded amino acid sequence of the KCNQ1 protein. This variant also falls at the last nucleotide of exon 15, which is part of the consensus splice site for this exon. This variant is not present in population databases (gnomAD no frequency). This variant has been observed in individual(s) with clinical features of long QT syndrome (PMID: 19716085, 31737537; internal data). ClinVar contains an entry for this variant (Variation ID: 200860). Variants that disrupt the consensus splice site are a relatively common cause of aberrant splicing (PMID: 17576681, 9536098). Algorithms developed to predict the effect of sequence changes on RNA splicing suggest that this variant may disrupt the consensus splice site. In summary, the available evidence is currently insufficient to determine the role of this variant in disease. Therefore, it has been classified as a Variant of Uncertain Significance.

Women's Health and Genetics/Laboratory Corporation of America, LabCorp
Classification: Uncertain significance. Last evaluated: 2023-05-08. Review status: criteria provided, single submitter. Criteria: LabCorp Variant Classification Summary - May 2015. Collection method: clinical testing. Allele origin: germline.
Comment: Variant summary: KCNQ1 c.1794G>A (p.Lys598Lys) alters a conserved nucleotide located close to a canonical splice site and therefore could affect mRNA splicing, leading to a significantly altered protein sequence. Several computational tools predict a significant impact on normal splicing: Four predict the variant weakens a 5prime donor site. However, these predictions have yet to be confirmed by functional studies. The variant was absent in 250638 control chromosomes. The available data on variant occurrences in the general population are insufficient to allow any conclusion about variant significance. c.1794G>A has been reported in the literature in individuals affected with long QTsyndrome. These reports do not provide unequivocal conclusions about association of the variant with Arrhythmia or LQT. To our knowledge, no experimental evidence demonstrating an impact on protein function has been reported. The following publications have been ascertained in the context of this evaluation (PMID: 22456477, 19716085). Two clinical diagnostic laboratories have submitted clinical-significance assessments for this variant to ClinVar after 2014 without evidence for independent evaluation. Both laboratories classified the variant as uncertain significance. Based on the evidence outlined above, the variant was classified as uncertain significance.

Literature cited by the submitters: PubMed 19716085 (cited by 3 submitters); PubMed 22456477 (cited by Ambry Genetics and Women's Health and Genetics/Laboratory Corporation of America, LabCorp); PubMed 31737537 (cited by Labcorp Genetics (formerly Invitae), Labcorp); PubMed 17576681 (cited by Labcorp Genetics (formerly Invitae), Labcorp); PubMed 9536098 (cited by Labcorp Genetics (formerly Invitae), Labcorp).